The following is an entry in ClinVar:

NM_022356.4(P3H1):c.1996A>G (p.Arg666Gly)

Gene: P3H1 (prolyl 3-hydroxylase 1; minus strand). Cytogenetic location: 1p34.2.
Variant type: single nucleotide variant.
Coding change: c.1996A>G on transcript NM_022356.4 (MANE Select); coding-DNA position 1996, A replaced by G.
Protein change: p.Arg666Gly; replaces arginine 666 with glycine.
Molecular consequence: missense variant.
Genome position (GRCh38, 1-based): chr1:42,747,331, T>C on the plus strand (A>G on the coding strand, the complement: P3H1 is on the minus strand). VCF-style: chr1-42747331-T-C. GRCh37 (hg19) VCF-style: chr1-43213002-T-C.
Other names: c.1996A>G, p.Arg666Gly (NM_001146289.2, NM_001243246.2); short protein forms R666G.
Identifiers: ClinVar variation 998564 (VCV000998564.10), dbSNP rs1477470732, ClinGen allele CA339952714.
Genomic context (GRCh38, chr1:42,747,331, plus strand): 5'-CCCGCTCGCTGTGTCGAGGGTCCAGGGTGAACCACAGGGCGATGGCACAGCGCTGCCCCC[T>C]GGTGACAGCCTTCACTCCATGTGGGTTTTCAGTGCCTGAAGAGAATCCCACGGCTCTTCC-3'
Protein context (NP_071751.3, residues 656-676): ENPHGVKAVT[Arg666Gly]GQRCAIALWF

ClinVar aggregate classification (germline): Uncertain significance (1 of 4 stars; one submission).

Conditions:
Osteogenesis imperfecta type 8 (OI8). Identifiers: MedGen C1970458, MONDO:0012581, OMIM 610915.

Allele frequency attached by ClinVar (database versions not stated): gnomAD exomes below 0.00001.

Submission:

Labcorp Genetics (formerly Invitae), Labcorp
Classification: Uncertain significance for Osteogenesis imperfecta type 8. Last evaluated: 2022-03-18. Review status: criteria provided, single submitter. Criteria: Invitae Variant Classification Sherloc (09022015). Collection method: clinical testing. Allele origin: germline.
Comment: ClinVar contains an entry for this variant (Variation ID: 998564). This variant has not been reported in the literature in individuals affected with P3H1-related conditions. This variant is not present in population databases (gnomAD no frequency). This sequence change replaces arginine, which is basic and polar, with glycine, which is neutral and non-polar, at codon 666 of the P3H1 protein (p.Arg666Gly). In summary, the available evidence is currently insufficient to determine the role of this variant in disease. Therefore, it has been classified as a Variant of Uncertain Significance. Algorithms developed to predict the effect of missense changes on protein structure and function are either unavailable or do not agree on the potential impact of this missense change (SIFT: "Deleterious"; PolyPhen-2: "Benign"; Align-GVGD: "Class C0").